The following is an entry in ClinVar:

ClinVar aggregate classification (germline): Likely pathogenic. Review status: reviewed by expert panel (3 of 4 stars). 3 submissions from 3 submitters: Likely pathogenic (1). 2 of the submissions do not count toward it. Last evaluated 2024-04-22.

Conditions:
Mitochondrial disease. Also called: Mitochondrial disorder; Mitochondrial disorders. Identifiers: Orphanet 68380, MedGen C0751651, MeSH D028361, MONDO:0044970.
MELAS syndrome (MELAS). Also called: Juvenile myopathy, encephalopathy, lactic acidosis, stroke. Identifiers: Orphanet 550, MedGen C0162671, MONDO:0010789, OMIM 540000.

Submissions (3):

ClinGen Mitochondrial Disease Nuclear and Mitochondrial  Variant Curation Expert Panel, ClinGen
Classification: Likely pathogenic for Mitochondrial disease. Last evaluated: 2024-04-22. Review status: reviewed by expert panel. Criteria: clingen mito disease acmg specifications v1-1. Collection method: curation. Allele origin: germline. Inheritance: Mitochondrial inheritance.
Comment: The m.3255G>A variant in MT-TL1 has been reported in two unrelated families with primary mitochondrial disease to date (PMIDs: 2413483, 12868503). The age of onset was the fifth decade and clinical features included myopathy, lactic acidosis, seizures, pigmentary retinopathy, ptosis, neuropathy, elevated cerebrospinal fluid protein, and ragged red and COX-deficient fibers (PS4_supporting). This variant segregated with clinical manifestations in one of these families as the variant was present in the proband at 53% heteroplasmy in skeletal muscle, 67% in urine sediment, less than 2% in cultured skin fibroblasts, and 22% in blood. The variant was present at less than 2% heteroplasmy in leukocytes from the mother and sister. An additional seven unaffected family members had the variant present at less than 2% in urine and saliva, and the variant was undetectable in another family member (PP1_moderate; PMID: 12868503). There are no individuals reported with de novo occurrences of this variant to our knowledge. This variant is absent in the GenBank dataset, Helix dataset, and gnomAD v3.1.2 (PM2_supporting). The computational predictor MitoTIP suggests this variant is deleterious (75.8 percentile) and HmtVAR predicts it to be deleterious with a score of 0.7 (PP3). Single fiber testing showed higher levels of the variant in COX-negative fibers (94%) than in COX-positive fibers (18%; p<0.0001; PS3_supporting; PMID: 12868503). In summary, this variant meets criteria to be classified as likely pathogenic for primary mitochondrial disease inherited in a mitochondrial manner. This classification was approved by the NICHD/NINDS U24 ClinGen Mitochondrial Disease Variant Curation Expert Panel on April 22, 2024. Mitochondrial DNA-specific ACMG/AMP criteria applied (PMID: 32906214): PS4_supporting, PP1_moderate, PM2_supporting, PS3_supporting.

Mendelics
Classification: Pathogenic for MELAS syndrome. Last evaluated: 2022-05-04. Review status: criteria provided, single submitter. Criteria: Mendelics Assertion Criteria 2019. Collection method: clinical testing. Allele origin: germline. Not counted in ClinVar's aggregate classification.

Wong Mito Lab, Molecular and Human Genetics, Baylor College of Medicine
Classification: Pathogenic for MELAS syndrome. Last evaluated: 2019-07-12. Review status: criteria provided, single submitter. Criteria: Modified ACMG Guidelines (Unpublished). Collection method: clinical testing. Allele origin: germline. Not counted in ClinVar's aggregate classification.
Comment: The NC_012920.1:m.3255G>A variant in MT-TL1 gene is interpreted to be a Pathogenic variant based on the modified ACMG guidelines (unpublished). This variant meets the following evidence codes reported in the guidelines: PS3, PM7, PM8, PM9

Literature cited by the submitters: PubMed 31965079 (cited by Wong Mito Lab, Molecular and Human Genetics, Baylor College of Medicine); PubMed 12868503 (cited by Wong Mito Lab, Molecular and Human Genetics, Baylor College of Medicine); PubMed 15477393 (cited by Wong Mito Lab, Molecular and Human Genetics, Baylor College of Medicine).

NC_012920.1(MT-TL1):m.3255G>A

Gene: MT-TL1 (mitochondrially encoded tRNA leucine 1 (UUA/G); plus strand).
Variant type: single nucleotide variant.
Genome position: chrM-3255-G-A.
Identifiers: ClinVar variation 689861 (VCV000689861.3), dbSNP rs1603218856, ClinGen allele CA913169011.
Genomic context (GRCh38, chrMT:3,255, plus strand): 5'-AGTATTATACCCACACCCACCCAAGAACAGGGTTTGTTAAGATGGCAGAGCCCGGTAATC[G>A]CATAAAACTTAAAACTTTACAGTCAGAGGTTCAATTCCTCTTCTTAACAACATACCCATG-3'